The following is an entry in ClinVar:

NM_017449.5(EPHB2):c.1377G>A (p.Pro459=)

Gene: EPHB2 (EPH receptor B2; plus strand). Cytogenetic location: 1p36.12.
Variant type: single nucleotide variant.
Coding change: c.1377G>A on transcript NM_017449.5 (MANE Select); coding-DNA position 1377, G replaced by A.
Protein change: p.Pro459=; no amino-acid change (proline 459 retained).
Molecular consequence: synonymous variant.
Genome position (GRCh38, 1-based): chr1:22,882,432, G>A. VCF-style: chr1-22882432-G-A. GRCh37 (hg19) VCF-style: chr1-23208925-G-A.
Other names: c.1377G>A, p.Pro459= (NM_001309192.2, NM_001309193.2, NM_004442.7); c.1377G>A (NM_017449.4).
Identifiers: ClinVar variation 1174978 (VCV001174978.7), dbSNP rs2229872, ClinGen allele CA678626.

ClinVar aggregate classification (germline): Benign. Review status: criteria provided, single submitter (1 of 4 stars). 4 submissions from 4 submitters: Benign (1). 3 of the submissions do not count toward it.

Conditions:
EPHB2-related disorder. Also called: EPHB2-related condition.

Allele frequency attached by ClinVar (database versions not stated): ESP Exome Variant Server 0.11802; gnomAD 0.13268 and 0.13644; ExAC 0.13696; gnomAD exomes 0.13847; TOPMed 0.14563; 1000 Genomes Project 30x 0.21237; 1000 Genomes Project 0.21446.
gnomAD v4.1: 174,732 of 1,614,030 alleles (11%); highest among the groups gnomAD compares: East Asian, 46%; 13,050 homozygotes.

Submissions (4):

Breakthrough Genomics
Classification: Benign. Review status: criteria provided, single submitter. Criteria: ACMG Guidelines, 2015. Collection method: not provided. Allele origin: germline. Inheritance: Autosomal recessive inheritance. Affected: yes.

PreventionGenetics, part of Exact Sciences
Classification: Benign for EPHB2-related condition. Last evaluated: 2019-10-28. Review status: no assertion criteria provided. Collection method: clinical testing. Allele origin: germline. Not counted in ClinVar's aggregate classification.
Comment: This variant is classified as benign based on ACMG/AMP sequence variant interpretation guidelines (Richards et al. 2015 PMID: 25741868, with internal and published modifications).

Diagnostic Laboratory, Department of Genetics, University Medical Center Groningen
Classification: Benign. Review status: no assertion criteria provided. Collection method: clinical testing. Allele origin: germline. Affected: yes. Study: VKGL Data-share Consensus. Not counted in ClinVar's aggregate classification.

Genome Diagnostics Laboratory, Amsterdam University Medical Center
Classification: Benign. Review status: no assertion criteria provided. Collection method: clinical testing. Allele origin: germline. Affected: yes. Study: VKGL Data-share Consensus. Not counted in ClinVar's aggregate classification.